The following is an entry in ClinVar:

NM_014611.3(MDN1):c.1588G>A (p.Glu530Lys)

Gene: MDN1 (midasin AAA ATPase 1; minus strand). Cytogenetic location: 6q15.
Variant type: single nucleotide variant.
Coding change: c.1588G>A on transcript NM_014611.3 (MANE Select); coding-DNA position 1588, G replaced by A.
Protein change: p.Glu530Lys; replaces glutamic acid 530 with lysine.
Molecular consequence: missense variant.
Genome position (GRCh38, 1-based): chr6:89,781,454, C>T on the plus strand (G>A on the coding strand, the complement: MDN1 is on the minus strand). VCF-style: chr6-89781454-C-T. GRCh37 (hg19) VCF-style: chr6-90491173-C-T.
Other names: short protein forms E530K.
Identifiers: ClinVar variation 3045767 (VCV003045767.2), dbSNP rs541485676, ClinGen allele CA3925952.

ClinVar aggregate classification (germline): Benign (0 of 4 stars; one submission).

Conditions:
MDN1-related disorder. Also called: MDN1-related condition.

Allele frequency attached by ClinVar (database versions not stated): TOPMed 0.00021; gnomAD 0.00094; gnomAD exomes 0.00172; ExAC 0.00410; 1000 Genomes Project 30x 0.00703; 1000 Genomes Project 0.00739.

Submission:

PreventionGenetics, part of Exact Sciences
Classification: Benign for MDN1-related condition. Last evaluated: 2019-04-25. Review status: no assertion criteria provided. Collection method: clinical testing. Allele origin: germline.
Comment: This variant is classified as benign based on ACMG/AMP sequence variant interpretation guidelines (Richards et al. 2015 PMID: 25741868, with internal and published modifications).